The following is an entry in ClinVar:

NM_001348800.3(ZBTB20):c.1188T>G (p.Pro396=)

Gene: ZBTB20 (zinc finger and BTB domain containing 20; minus strand). Cytogenetic location: 3q13.31.
Variant type: single nucleotide variant.
Coding change: c.1188T>G on transcript NM_001348800.3 (MANE Select); coding-DNA position 1188, T replaced by G.
Protein change: p.Pro396=; no amino-acid change (proline 396 retained).
Molecular consequence: synonymous variant.
Genome position (GRCh38, 1-based): chr3:114,350,890, A>C on the plus strand (T>G on the coding strand, the complement: ZBTB20 is on the minus strand). VCF-style: chr3-114350890-A-C. GRCh37 (hg19) VCF-style: chr3-114069737-A-C.
Other names: c.1188T>G, p.Pro396= (NM_001164342.2, NM_001348803.3, NM_001393393.1 and 1 more transcripts); c.969T>G, p.Pro323= (NM_001164343.2, NM_001164344.4, NM_001164345.4 and 9 more transcripts).
Identifiers: ClinVar variation 3048324 (VCV003048324.2), dbSNP rs745615751, ClinGen allele CA2551349.

ClinVar aggregate classification (germline): Likely benign (0 of 4 stars; one submission).

Conditions:
ZBTB20-related disorder. Also called: ZBTB20-related condition.

Allele frequency attached by ClinVar (database versions not stated): TOPMed 0.00001; ExAC 0.00009.
gnomAD v4.1: 38 of 1,607,012 alleles (0.0024%); highest among the groups gnomAD compares: South Asian, 0.037%; no homozygotes.

Submission:

PreventionGenetics, part of Exact Sciences
Classification: Likely benign for ZBTB20-related condition. Last evaluated: 2019-11-16. Review status: no assertion criteria provided. Collection method: clinical testing. Allele origin: germline.
Comment: This variant is classified as likely benign based on ACMG/AMP sequence variant interpretation guidelines (Richards et al. 2015 PMID: 25741868, with internal and published modifications).